The following is an entry in ClinVar:

ClinVar aggregate classification (germline): Conflicting classifications of pathogenicity. Review status: criteria provided, conflicting classifications (1 of 4 stars). 2 submissions from 2 submitters: Uncertain significance (1); Benign (1). Last evaluated 2025-12-22.

Conditions:
Ullrich congenital muscular dystrophy 2 (UCMD2). Identifiers: Orphanet 75840, MedGen C4225314, MONDO:0014654, OMIM 616470.
Bethlem myopathy 2 (BTHLM2). Identifiers: Orphanet 536516, Orphanet 610, MedGen C4225313, MONDO:0034022, OMIM 616471.

Allele frequency attached by ClinVar (database versions not stated): TOPMed below 0.00001; gnomAD exomes 0.00001.
gnomAD v4.1: 7 of 1,613,838 alleles (0.00043%); highest among the groups gnomAD compares: Non-Finnish European, 0.00059%; no homozygotes.

Submissions (2):

Women's Health and Genetics/Laboratory Corporation of America, LabCorp
Classification: Uncertain significance. Last evaluated: 2025-12-22. Review status: criteria provided, single submitter. Criteria: LabCorp Variant Classification Summary - May 2015. Collection method: clinical testing. Allele origin: germline.
Comment: Variant summary: COL12A1 c.9169C>T (p.Gln3057X) results in a premature termination codon, predicted to cause a truncation of the encoded protein and not involved in nonsense mediated decay. The variant allele was found at a frequency of 8e-06 in 249174 control chromosomes (gnomAD). The available data on variant occurrences in the general population are insufficient to allow any conclusion about variant significance. To our knowledge, no occurrence of c.9169C>T in individuals affected with COL12A1-related conditions and no experimental evidence demonstrating its impact on protein function have been reported. ClinVar contains an entry for this variant (Variation ID: 2017423). Based on the evidence outlined above, the variant was classified as uncertain significance.

Labcorp Genetics (formerly Invitae), Labcorp
Classification: Benign for Bethlem myopathy 2; Ullrich congenital muscular dystrophy 2. Last evaluated: 2024-04-03. Review status: criteria provided, single submitter. Criteria: Invitae Variant Classification Sherloc (09022015). Collection method: clinical testing. Allele origin: germline.

NM_004370.6(COL12A1):c.9169C>T (p.Gln3057Ter)

Gene: COL12A1 (collagen type XII alpha 1 chain; minus strand). Cytogenetic location: 6q13.
Variant type: single nucleotide variant.
Coding change: c.9169C>T on transcript NM_004370.6 (MANE Select); coding-DNA position 9169, C replaced by T.
Protein change: p.Gln3057Ter; replaces glutamine 3057 with a stop codon.
Molecular consequence: nonsense.
Genome position (GRCh38, 1-based): chr6:75,087,589, G>A on the plus strand (C>T on the coding strand, the complement: COL12A1 is on the minus strand). VCF-style: chr6-75087589-G-A. GRCh37 (hg19) VCF-style: chr6-75797305-G-A.
Other names: c.5677C>T, p.Gln1893Ter (NM_080645.3); short protein forms Q1893*, Q3057*.
Identifiers: ClinVar variation 2017423 (VCV002017423.5), dbSNP rs1002433115, ClinGen allele CA140995781.